The following is an entry in ClinVar:

ClinVar aggregate classification (germline): Uncertain significance (1 of 4 stars; one submission).

Allele frequency attached by ClinVar (database versions not stated): TOPMed below 0.00001; gnomAD 0.00001; gnomAD exomes 0.00001.
gnomAD v4.1: 8 of 1,208,625 alleles (0.00066%); highest among the groups gnomAD compares: South Asian, 0.007%; no homozygotes.

Submission:

GeneDx
Classification: Uncertain significance. Last evaluated: 2022-12-20. Review status: criteria provided, single submitter. Criteria: GeneDx Variant Classification Process June 2021. Collection method: clinical testing. Allele origin: germline. Affected: yes.
Comment: Not observed at significant frequency in large population cohorts (gnomAD); In silico analysis supports that this missense variant does not alter protein structure/function; Has not been previously published as pathogenic or benign to our knowledge

NM_001256789.3(CACNA1F):c.5020G>A (p.Asp1674Asn)

Gene: CACNA1F (calcium voltage-gated channel subunit alpha1 F; minus strand). Cytogenetic location: Xp11.23.
Variant type: single nucleotide variant.
Coding change: c.5020G>A on transcript NM_001256789.3 (MANE Select); coding-DNA position 5020, G replaced by A.
Protein change: p.Asp1674Asn; replaces aspartic acid 1674 with asparagine.
Molecular consequence: missense variant.
Genome position (GRCh38, 1-based): chrX:49,208,618, C>T on the plus strand (G>A on the coding strand, the complement: CACNA1F is on the minus strand). VCF-style: chrX-49208618-C-T. GRCh37 (hg19) VCF-style: chrX-49065078-C-T.
Other names: c.4858G>A, p.Asp1620Asn (NM_001256790.3); c.5053G>A, p.Asp1685Asn (NM_005183.4); short protein forms D1620N, D1674N, D1685N.
Identifiers: ClinVar variation 2506712 (VCV002506712.1), dbSNP rs1341422094, ClinGen allele CA412959363.